The following is an entry in ClinVar:

NM_152295.5(TARS1):c.1829dup (p.Lys611fs)

Gene: TARS1 (threonyl-tRNA synthetase 1; plus strand). Cytogenetic location: 5p13.3.
Variant type: Duplication.
Coding change: c.1829dup on transcript NM_152295.5 (MANE Select); coding-DNA position 1829, one base duplicated (G; older notation c.1829dupG).
Protein change: p.Lys611fs; shifts the reading frame from lysine 611.
Molecular consequence: frameshift variant. On other transcripts: non-coding transcript variant (3).
Genome position (GRCh38, 1-based): chr5:33,462,197, G duplicated; the last of 5 consecutive G bases (chr5:33,462,193-33,462,197); duplicating any one gives the same sequence. VCF-style (leftmost placement, unchanged base first): chr5-33462192-T-TG. GRCh37 (hg19) VCF-style: chr5-33462297-T-TG.
Other names: c.1829dup, p.Lys611fs (NM_001258437.1); c.1928dup, p.Lys644fs (NM_001258438.2); c.1829dupG (NM_152295.5); short protein forms K611fs, K644fs.
Identifiers: ClinVar variation 3899295 (VCV003899295.1).

ClinVar aggregate classification (germline): Likely pathogenic (1 of 4 stars; one submission).

Conditions:
Trichothiodystrophy 7, nonphotosensitive. Identifiers: MedGen C5231403, MONDO:0032806, OMIM 618546.

Submission:

First Genomix Gene Laboratory, Genetic Diagnostics Department
Classification: Likely pathogenic for Trichothiodystrophy 7, nonphotosensitive. Last evaluated: 2025-02-21. Review status: criteria provided, single submitter. Criteria: ACMG Guidelines, 2015. Collection method: clinical testing. Allele origin: germline. Inheritance: Autosomal recessive inheritance. Affected: no. Observed: 1 variant allele.